The following is an entry in ClinVar:

ClinVar aggregate classification (germline): Likely benign. Review status: criteria provided, single submitter (1 of 4 stars). 2 submissions from 2 submitters: Likely benign (1). 1 of the submissions does not count toward it. Last evaluated 2025-04-20.

Conditions:
PLXNA2-related disorder. Also called: PLXNA2-related condition.

gnomAD v4.1: 292 of 1,613,442 alleles (0.018%); highest among the groups gnomAD compares: Non-Finnish European, 0.024%; no homozygotes.

Submissions (2):

Labcorp Genetics (formerly Invitae), Labcorp
Classification: Likely benign. Last evaluated: 2025-04-20. Review status: criteria provided, single submitter. Criteria: Invitae Variant Classification Sherloc (09022015). Collection method: clinical testing. Allele origin: germline.

PreventionGenetics, part of Exact Sciences
Classification: Likely benign for PLXNA2-related condition. Last evaluated: 2024-05-20. Review status: no assertion criteria provided. Collection method: clinical testing. Allele origin: germline. Not counted in ClinVar's aggregate classification.
Comment: This variant is classified as likely benign based on ACMG/AMP sequence variant interpretation guidelines (Richards et al. 2015 PMID: 25741868, with internal and published modifications).

NM_025179.4(PLXNA2):c.3072C>G (p.Val1024=)

Gene: PLXNA2 (plexin A2; minus strand). Cytogenetic location: 1q32.2.
Variant type: single nucleotide variant.
Coding change: c.3072C>G on transcript NM_025179.4 (MANE Select); coding-DNA position 3072, C replaced by G.
Protein change: p.Val1024=; no amino-acid change (valine 1024 retained).
Molecular consequence: synonymous variant.
Genome position (GRCh38, 1-based): chr1:208,051,345, G>C on the plus strand (C>G on the coding strand, the complement: PLXNA2 is on the minus strand). VCF-style: chr1-208051345-G-C. GRCh37 (hg19) VCF-style: chr1-208224690-G-C.
Identifiers: ClinVar variation 3351276 (VCV003351276.2).